The following is an entry in ClinVar:

NM_000245.4(MET):c.268C>T (p.Leu90=)

Gene: MET (MET proto-oncogene, receptor tyrosine kinase; plus strand). Cytogenetic location: 7q31.2.
Variant type: single nucleotide variant.
Coding change: c.268C>T on transcript NM_000245.4 (MANE Select); coding-DNA position 268, C replaced by T.
Protein change: p.Leu90=; no amino-acid change (leucine 90 retained).
Molecular consequence: synonymous variant. On other transcripts: intron variant (1).
Genome position (GRCh38, 1-based): chr7:116,699,352, C>T. VCF-style: chr7-116699352-C-T. GRCh37 (hg19) VCF-style: chr7-116339406-C-T.
Other names: c.268C>T, p.Leu90= (NM_001127500.3, NM_001324401.3); c.-91+26775C>T (NM_001324402.2).
Identifiers: ClinVar variation 821666 (VCV000821666.14), dbSNP rs376966336, ClinGen allele CA164888116.

ClinVar aggregate classification (germline): Benign/Likely benign. Review status: criteria provided, multiple submitters, no conflicts (2 of 4 stars). 3 submissions from 3 submitters: Benign (1); Likely benign (2). Last evaluated 2026-01-12.

Conditions:
Hereditary cancer-predisposing syndrome. Also called: Tumor predisposition; Hereditary Cancer Syndrome; Neoplastic Syndromes, Hereditary; Hereditary neoplastic syndrome. Identifiers: Orphanet 140162, MedGen C0027672, MeSH D009386, MONDO:0015356.
Papillary renal cell carcinoma type 1 (RCCP1). Also called: RENAL CELL CARCINOMA, PAPILLARY, 1, SOMATIC; Renal adenocarcinoma; Renal cell carcinoma 1; Renal cell carcinoma, somatic. Identifiers: Orphanet 47044, MedGen C1336839, OMIM 605074, HP:0011797.
Renal cell carcinoma. Identifiers: Orphanet 217071, MedGen C0007134, MeSH D002292, MONDO:0005086, HP:0005584.

Allele frequency attached by ClinVar (database versions not stated): gnomAD exomes below 0.00001; gnomAD 0.00001; TOPMed 0.00001; ESP Exome Variant Server 0.00008.

Submissions (3):

Labcorp Genetics (formerly Invitae), Labcorp
Classification: Likely benign for Renal cell carcinoma. Last evaluated: 2026-01-12. Review status: criteria provided, single submitter. Criteria: Invitae Variant Classification Sherloc (09022015). Collection method: clinical testing. Allele origin: germline.

Myriad Genetics, Inc.
Classification: Benign for Papillary renal cell carcinoma type 1. Last evaluated: 2024-11-06. Review status: criteria provided, single submitter. Criteria: Myriad Autosomal Dominant, Autosomal Recessive and X-Linked Classification Criteria (2023). Collection method: clinical testing. Allele origin: unknown.
Comment: This variant is considered benign. This variant is a silent/synonymous amino acid change and it is not expected to impact splicing.

Ambry Genetics
Classification: Likely benign for Hereditary cancer-predisposing syndrome. Last evaluated: 2019-02-01. Review status: criteria provided, single submitter. Criteria: Ambry Variant Classification Scheme 2023. Collection method: clinical testing. Allele origin: germline.